The following is an entry in ClinVar:

NM_006073.4(TRDN):c.1762_1763del (p.Glu588fs)

Gene: TRDN (triadin; minus strand). Cytogenetic location: 6q22.31.
Variant type: Microsatellite.
Coding change: c.1762_1763del on transcript NM_006073.4 (MANE Select); coding-DNA positions 1762 to 1763, 2 bases deleted (GA; older notation c.1762_1763delGA).
Protein change: p.Glu588fs; shifts the reading frame from glutamic acid 588.
Molecular consequence: frameshift variant.
Genome position (GRCh38, 1-based): chr6:123,267,727-123,267,728, TC deleted on the plus strand (GA on the coding strand, the reverse complement: TRDN is on the minus strand); deleting any 2 consecutive bases within chr6:123,267,727-123,267,731 gives the same sequence; the c. name uses the placement nearest the transcript's 3' end. VCF-style (leftmost placement, unchanged base first): chr6-123267726-TTC-T. GRCh37 (hg19) VCF-style: chr6-123588871-TTC-T.
Other names: short protein forms E588fs.
Identifiers: ClinVar variation 1779599 (VCV001779599.2), dbSNP rs1346308099, ClinGen allele CA570330844.

ClinVar aggregate classification (germline): Uncertain significance (1 of 4 stars; one submission).

Conditions:
Cardiovascular phenotype. Identifiers: MedGen CN230736.

Submission:

Ambry Genetics
Classification: Uncertain significance for Cardiovascular phenotype. Last evaluated: 2022-10-20. Review status: criteria provided, single submitter. Criteria: Ambry Variant Classification Scheme 2023. Collection method: clinical testing. Allele origin: germline.
Comment: The c.1762_1763delGA variant, located in coding exon 32 of the TRDN gene, results from a deletion of two nucleotides at nucleotide positions 1762 to 1763, causing a translational frameshift with a predicted alternate stop codon (p.E588Tfs*28). This alteration is expected to result in loss of function by premature protein truncation or nonsense-mediated mRNA decay; however, this alteration does not impact the predominant cardiac isoform of TRDN (NM_001256021.1; Kobayashi YM et al. J. Biol. Chem., 1999 Oct;274:28660-8). Since supporting evidence is limited at this time, the clinical significance of this alteration remains unclear.